The following is an entry in ClinVar:

ClinVar aggregate classification (germline): Uncertain significance (1 of 4 stars; one submission).

Conditions:
Breast-ovarian cancer, familial, susceptibility to, 2 (BROVCA2). Also called: BRCA2 Hereditary Breast and Ovarian Cancer. Identifiers: Orphanet 145, MedGen C2675520, MONDO:0012933, OMIM 612555. Disease mechanism: loss of function.

Submission:

St. Jude Molecular Pathology, St. Jude Children's Research Hospital
Classification: Uncertain significance for Breast-ovarian cancer, familial, susceptibility to, 2. Last evaluated: 2024-06-27. Review status: criteria provided, single submitter. Criteria: St. Jude Assertion Criteria 2020. Collection method: clinical testing. Allele origin: germline.
Comment: The BRCA2 c.6175A>G (p.Ser2059Gly) missense change is absent in gnomAD v2.1.1. The in silico tool REVEL is inconclusive about a pathogenic or benign effect of this variant on protein function, and to our knowledge functional studies have not been performed. To our knowledge, this variant has not been reported as pathogenic in individuals with BRCA2-related disease. In summary, the evidence currently available is insufficient to determine the clinical significance of this variant. It has therefore been classified as of uncertain significance.

NM_000059.4(BRCA2):c.6175A>G (p.Ser2059Gly)

Gene: BRCA2 (BRCA2 DNA repair associated; plus strand). Cytogenetic location: 13q13.1.
Variant type: single nucleotide variant.
Coding change: c.6175A>G on transcript NM_000059.4 (MANE Select); coding-DNA position 6175, A replaced by G.
Protein change: p.Ser2059Gly; replaces serine 2059 with glycine.
Molecular consequence: missense variant. On other transcripts: non-coding transcript variant (1), intron variant (2).
Genome position (GRCh38, 1-based): chr13:32,340,530, A>G. VCF-style: chr13-32340530-A-G. GRCh37 (hg19) VCF-style: chr13-32914667-A-G.
Other names: c.6175A>G, p.Ser2059Gly (NM_001406719.1, NM_001406720.1, NM_001432077.1); c.1910-4028A>G (NM_001406721.1); c.425-4028A>G (NM_001406722.1); short protein forms S2059G.
Identifiers: ClinVar variation 3377817 (VCV003377817.1).
Genomic context (GRCh38, chr13:32,340,530, plus strand): 5'-TTAATATCCCAAAAAGGCTTTTCATATAATGTGGTAAATTCATCTGCTTTCTCTGGATTT[A>G]GTACAGCAAGTGGAAAGCAAGTTTCCATTTTAGAAAGTTCCTTACACAAAGTTAAGGGAG-3'
Protein context (NP_000050.3, residues 2049-2069): VVNSSAFSGF[Ser2059Gly]TASGKQVSIL